The following is an entry in ClinVar:

NM_032228.6(FAR1):c.940C>A (p.His314Asn)

Gene: FAR1 (fatty acyl-CoA reductase 1; plus strand). Cytogenetic location: 11p15.3.
Variant type: single nucleotide variant.
Coding change: c.940C>A on transcript NM_032228.6 (MANE Select); coding-DNA position 940, C replaced by A.
Protein change: p.His314Asn; replaces histidine 314 with asparagine.
Molecular consequence: missense variant.
Genome position (GRCh38, 1-based): chr11:13,713,018, C>A. VCF-style: chr11-13713018-C-A. GRCh37 (hg19) VCF-style: chr11-13734565-C-A.
Other names: short protein forms H314N.
Identifiers: ClinVar variation 3657168 (VCV003657168.2).

ClinVar aggregate classification (germline): Uncertain significance (1 of 4 stars; one submission).

Submission:

Labcorp Genetics (formerly Invitae), Labcorp
Classification: Uncertain significance. Last evaluated: 2024-07-07. Review status: criteria provided, single submitter. Criteria: Invitae Variant Classification Sherloc (09022015). Collection method: clinical testing. Allele origin: germline.
Comment: This sequence change replaces histidine, which is basic and polar, with asparagine, which is neutral and polar, at codon 314 of the FAR1 protein (p.His314Asn). This variant is not present in population databases (gnomAD no frequency). This variant has not been reported in the literature in individuals affected with FAR1-related conditions. Advanced modeling of protein sequence and biophysical properties (such as structural, functional, and spatial information, amino acid conservation, physicochemical variation, residue mobility, and thermodynamic stability) performed at Invitae indicates that this missense variant is not expected to disrupt FAR1 protein function with a negative predictive value of 80%. In summary, the available evidence is currently insufficient to determine the role of this variant in disease. Therefore, it has been classified as a Variant of Uncertain Significance.